The following is an entry in ClinVar:

ClinVar aggregate classification (germline): Uncertain significance (1 of 4 stars; one submission).

Conditions:
Short-rib thoracic dysplasia 6 with or without polydactyly (SRTD6). Also called: Majewski Syndrome; SHORT RIB-POLYDACTYLY SYNDROME, TYPE IIA; SHORT-RIB THORACIC DYSPLASIA 6 WITH POLYDACTYLY; SHORT-RIB THORACIC DYSPLASIA 6 WITHOUT POLYDACTYLY; POLYDACTYLY WITH NEONATAL CHONDRODYSTROPHY, TYPE II. Identifiers: MedGen C0024507, MONDO:0009894, OMIM 263520.

gnomAD v4.1: 5 of 1,611,880 alleles (0.00031%); highest among the groups gnomAD compares: East Asian, 0.0067%; no homozygotes.

Submission:

Labcorp Genetics (formerly Invitae), Labcorp
Classification: Uncertain significance for Short-rib thoracic dysplasia 6 with or without polydactyly. Last evaluated: 2025-08-08. Review status: criteria provided, single submitter. Criteria: Invitae Variant Classification Sherloc (09022015). Collection method: clinical testing. Allele origin: germline.
Comment: This sequence change falls in intron 31 of the NEK1 gene. It does not directly change the encoded amino acid sequence of the NEK1 protein. It affects a nucleotide within the consensus splice site. This variant is present in population databases (rs775993065, gnomAD 0.006%). This variant has not been reported in the literature in individuals affected with NEK1-related conditions. Variants that disrupt the consensus splice site are a relatively common cause of aberrant splicing (PMID: 17576681, 9536098). Algorithms developed to predict the effect of sequence changes on RNA splicing suggest that this variant is not likely to affect RNA splicing. In summary, the available evidence is currently insufficient to determine the role of this variant in disease. Therefore, it has been classified as a Variant of Uncertain Significance.

Literature cited by the submitters: PubMed 17576681; PubMed 9536098.

NM_001199397.3(NEK1):c.3583+5A>G

Gene: NEK1 (NIMA related kinase 1; minus strand). Cytogenetic location: 4q33.
Variant type: single nucleotide variant.
Coding change: c.3583+5A>G on transcript NM_001199397.3 (MANE Select); 5 bases into the intron after coding-DNA position 3583, A replaced by G.
Molecular consequence: intron variant.
Genome position (GRCh38, 1-based): chr4:169,401,647, T>C on the plus strand (A>G on the coding strand, the complement: NEK1 is on the minus strand). VCF-style: chr4-169401647-T-C. GRCh37 (hg19) VCF-style: chr4-170322798-T-C.
Other names: c.2746+5A>G (NM_001440625.1); c.2878+5A>G (NM_001440624.1); c.3100+5A>G (NM_001374421.1); c.3448+5A>G (NM_001374420.1); c.3292+5A>G (NM_001199399.3); c.3190+5A>G (NM_001440623.1); c.3274+5A>G (NM_001440622.1); c.3451+5A>G (NM_001199398.3); and 5 more.
Identifiers: ClinVar variation 4740218 (VCV004740218.1).